The following is an entry in ClinVar:

NM_004415.4(DSP):c.8252T>G (p.Ile2751Ser)

Gene: DSP (desmoplakin; plus strand). Cytogenetic location: 6p24.3.
Variant type: single nucleotide variant.
Coding change: c.8252T>G on transcript NM_004415.4 (MANE Select); coding-DNA position 8252, T replaced by G.
Protein change: p.Ile2751Ser; replaces isoleucine 2751 with serine.
Molecular consequence: missense variant.
Genome position (GRCh38, 1-based): chr6:7,585,514, T>G. VCF-style: chr6-7585514-T-G. GRCh37 (hg19) VCF-style: chr6-7585747-T-G.
Other names: c.6455T>G, p.Ile2152Ser (NM_001008844.3); c.6923T>G, p.Ile2308Ser (NM_001319034.2); short protein forms I2308S, I2751S, I2152S.
Identifiers: ClinVar variation 2945417 (VCV002945417.3), dbSNP rs949070315, ClinGen allele CA133977561.

ClinVar aggregate classification (germline): Uncertain significance (1 of 4 stars; one submission).

Conditions:
Arrhythmogenic cardiomyopathy with wooly hair and keratoderma. Also called: Dilated cardiomyopathy with woolly hair and keratoderma; PALMOPLANTAR KERATODERMA WITH LEFT VENTRICULAR CARDIOMYOPATHY AND WOOLLY HAIR; Carvajal syndrome; Arrhythmogenic cardiomyopathy with woolly hair and keratoderma. Identifiers: Orphanet 65282, MedGen C1854063, MONDO:0011581, OMIM 605676.
Arrhythmogenic right ventricular dysplasia 8 (ARVD8). Also called: Arrhythmogenic Right Ventricular Dysplasia/Cardiomyopathy 8; ARRHYTHMOGENIC RIGHT VENTRICULAR DYSPLASIA, FAMILIAL, 8; ARRHYTHMOGENIC RIGHT VENTRICULAR CARDIOMYOPATHY 8. Identifiers: MedGen C1843896, MONDO:0011831, OMIM 607450.

Submission:

Labcorp Genetics (formerly Invitae), Labcorp
Classification: Uncertain significance for Arrhythmogenic cardiomyopathy with wooly hair and keratoderma; Arrhythmogenic right ventricular dysplasia 8. Last evaluated: 2023-08-07. Review status: criteria provided, single submitter. Criteria: Invitae Variant Classification Sherloc (09022015). Collection method: clinical testing. Allele origin: germline.
Comment: This sequence change replaces isoleucine, which is neutral and non-polar, with serine, which is neutral and polar, at codon 2751 of the DSP protein (p.Ile2751Ser). This variant is not present in population databases (gnomAD no frequency). This variant has not been reported in the literature in individuals affected with DSP-related conditions. An algorithm developed to predict the effect of missense changes on protein structure and function (PolyPhen-2) suggests that this variant is likely to be disruptive. In summary, the available evidence is currently insufficient to determine the role of this variant in disease. Therefore, it has been classified as a Variant of Uncertain Significance.